The following is an entry in ClinVar:

ClinVar aggregate classification (germline): Uncertain significance (1 of 4 stars; one submission).

Conditions:
Spastic paraplegia. Identifiers: MedGen C0037772, HP:0001258.

gnomAD v4.1: 1 of 1,521,604 alleles (0.000066%); highest among the groups gnomAD compares: South Asian, 0.0012%; no homozygotes.

Submission:

Labcorp Genetics (formerly Invitae), Labcorp
Classification: Uncertain significance for Spastic paraplegia. Last evaluated: 2025-07-22. Review status: criteria provided, single submitter. Criteria: Invitae Variant Classification Sherloc (09022015). Collection method: clinical testing. Allele origin: germline.
Comment: This sequence change replaces glycine, which is neutral and non-polar, with arginine, which is basic and polar, at codon 300 of the GJC2 protein (p.Gly300Arg). This variant is not present in population databases (gnomAD no frequency). This variant has not been reported in the literature in individuals affected with GJC2-related conditions. Invitae Evidence Modeling of protein sequence and biophysical properties (such as structural, functional, and spatial information, amino acid conservation, physicochemical variation, residue mobility, and thermodynamic stability) indicates that this missense variant is not expected to disrupt GJC2 protein function with a negative predictive value of 95%. In summary, the available evidence is currently insufficient to determine the role of this variant in disease. Therefore, it has been classified as a Variant of Uncertain Significance.

NM_020435.4(GJC2):c.898G>C (p.Gly300Arg)

Gene: GJC2 (gap junction protein gamma 2; plus strand). Cytogenetic location: 1q42.13.
Variant type: single nucleotide variant.
Coding change: c.898G>C on transcript NM_020435.4 (MANE Select); coding-DNA position 898, G replaced by C.
Protein change: p.Gly300Arg; replaces glycine 300 with arginine.
Molecular consequence: missense variant.
Genome position (GRCh38, 1-based): chr1:228,158,656, G>C. VCF-style: chr1-228158656-G-C. GRCh37 (hg19) VCF-style: chr1-228346357-G-C.
Other names: short protein forms G300R.
Identifiers: ClinVar variation 4713746 (VCV004713746.1).